The following is an entry in ClinVar:

ClinVar aggregate classification (germline): Conflicting classifications of pathogenicity. Review status: criteria provided, conflicting classifications (1 of 4 stars). 3 submissions from 3 submitters: Pathogenic (1); Uncertain significance (1). 1 of the submissions does not count toward it. Last evaluated 2025-06-06.

Conditions:
WARS2-related disorder. Also called: WARS2-related disorders; WARS2 related condition.

gnomAD v4.1: 2 of 1,614,112 alleles (0.00012%); highest among the groups gnomAD compares: Non-Finnish European, 0.00017%; no homozygotes.

Submissions (3):

Labcorp Genetics (formerly Invitae), Labcorp
Classification: Uncertain significance. Last evaluated: 2025-06-06. Review status: criteria provided, single submitter. Criteria: Invitae Variant Classification Sherloc (09022015). Collection method: clinical testing. Allele origin: germline.
Comment: This sequence change replaces glycine, which is neutral and non-polar, with glutamic acid, which is acidic and polar, at codon 54 of the WARS2 protein (p.Gly54Glu). This variant is not present in population databases (gnomAD no frequency). This missense change has been observed in individual(s) with clinical features of WARS2-related conditions (PMID: 37417438). ClinVar contains an entry for this variant (Variation ID: 3359234). Invitae Evidence Modeling of protein sequence and biophysical properties (such as structural, functional, and spatial information, amino acid conservation, physicochemical variation, residue mobility, and thermodynamic stability) indicates that this missense variant is expected to disrupt WARS2 protein function with a positive predictive value of 80%. In summary, the available evidence is currently insufficient to determine the role of this variant in disease. Therefore, it has been classified as a Variant of Uncertain Significance.

GeneDx
Classification: Pathogenic. Last evaluated: 2024-07-18. Review status: criteria provided, single submitter. Criteria: GeneDx Variant Classification Process June 2021. Collection method: clinical testing. Allele origin: germline. Affected: yes.
Comment: Published functional studies demonstrate a damaging effect on mitochondrial function and enzyme activity (PMID: 39230874); Not observed at significant frequency in large population cohorts (gnomAD); In silico analysis supports that this missense variant has a deleterious effect on protein structure/function; This variant is associated with the following publications: (PMID: 37417438, 39230874)

Undiagnosed Diseases Network, NIH
Classification: Likely pathogenic for WARS2 related condition. Last evaluated: 2023-01-04. Review status: no assertion criteria provided. Collection method: clinical testing. Allele origin: maternal. Affected: yes. Observed: 1 variant allele, 1 compound heterozygote. Study: Undiagnosed Diseases Network (NIH), UDN. Not counted in ClinVar's aggregate classification.

Literature cited by the submitters: PubMed 37417438 (cited by Labcorp Genetics (formerly Invitae), Labcorp).

NM_015836.4(WARS2):c.161G>A (p.Gly54Glu)

Gene: WARS2 (tryptophanyl tRNA synthetase 2, mitochondrial; minus strand). Cytogenetic location: 1p12.
Variant type: single nucleotide variant.
Coding change: c.161G>A on transcript NM_015836.4 (MANE Select); coding-DNA position 161, G replaced by A.
Protein change: p.Gly54Glu; replaces glycine 54 with glutamic acid.
Molecular consequence: missense variant. On other transcripts: 5 prime UTR variant (1), intron variant (1).
Genome position (GRCh38, 1-based): chr1:119,076,537, C>T on the plus strand (G>A on the coding strand, the complement: WARS2 is on the minus strand). VCF-style: chr1-119076537-C-T. GRCh37 (hg19) VCF-style: chr1-119619160-C-T.
Other names: p.G54E; c.-122G>A (NM_001378230.1); c.161G>A, p.Gly54Glu (NM_001378231.1, NM_201263.2, NM_001378228.1); c.91-30875G>A (NM_001378229.1); c.92G>A, p.Gly31Glu (NM_001378226.1, NM_001378227.1); short protein forms G31E, G54E.
Identifiers: ClinVar variation 3359234 (VCV003359234.5).